The following is an entry in ClinVar:

NM_025103.4(IFT74):c.968A>G (p.Glu323Gly)

Gene: IFT74 (intraflagellar transport 74; plus strand). Cytogenetic location: 9p21.2.
Variant type: single nucleotide variant.
Coding change: c.968A>G on transcript NM_025103.4 (MANE Select); coding-DNA position 968, A replaced by G.
Protein change: p.Glu323Gly; replaces glutamic acid 323 with glycine.
Molecular consequence: missense variant.
Genome position (GRCh38, 1-based): chr9:27,018,681, A>G. VCF-style: chr9-27018681-A-G. GRCh37 (hg19) VCF-style: chr9-27018679-A-G.
Other names: c.968A>G (NM_001099222.1, NM_025103.2); c.968A>G, p.Glu323Gly (NM_001099222.3, NM_001099223.3, NM_001099224.3 and 1 more transcripts); short protein forms E323G.
Identifiers: ClinVar variation 1299797 (VCV001299797.9), dbSNP rs202139740, ClinGen allele CA5015456.

ClinVar aggregate classification (germline): Uncertain significance. Review status: criteria provided, multiple submitters, no conflicts (2 of 4 stars). 5 submissions from 5 submitters: Uncertain significance (3). 2 of the submissions do not count toward it. Last evaluated 2026-06-29.

Conditions:
IFT74-related disorder. Also called: IFT74-related condition; IFT74-Related Disorders.
Inborn genetic diseases. Identifiers: MedGen C0950123, MeSH D030342.

Allele frequency attached by ClinVar (database versions not stated): ESP Exome Variant Server 0.00026; gnomAD exomes 0.00006 and 0.00011; ExAC 0.00007; TOPMed 0.00009; gnomAD 0.00010.
gnomAD v4.1: 159 of 1,535,640 alleles (0.01%); highest among the groups gnomAD compares: Non-Finnish European, 0.013%; no homozygotes.

Submissions (5):

PreventionGenetics, part of Exact Sciences
Classification: Uncertain significance for IFT74-related condition. Last evaluated: 2026-06-29. Review status: criteria provided, single submitter. Criteria: ACMG Guidelines, 2015. Collection method: clinical testing. Allele origin: germline.
Comment: The IFT74 c.968A>G variant is predicted to result in the amino acid substitution p.Glu323Gly. This variant was identified in the heterozygous state in an individual with obesity and hyperphagia (Roberts et al. 2022. PubMed ID: 35562395). This variant is reported in 0.011% of alleles in individuals of European (Non-Finnish) descent in gnomAD. At this time, the clinical significance of this variant is uncertain due to the absence of conclusive functional and genetic evidence.

Ambry Genetics
Classification: Uncertain significance for Inborn genetic diseases. Last evaluated: 2022-12-28. Review status: criteria provided, single submitter. Criteria: Ambry Variant Classification Scheme 2023. Collection method: clinical testing. Allele origin: germline.

Labcorp Genetics (formerly Invitae), Labcorp
Classification: Uncertain significance. Last evaluated: 2022-12-07. Review status: criteria provided, single submitter. Criteria: Invitae Variant Classification Sherloc (09022015). Collection method: clinical testing. Allele origin: germline.
Comment: ClinVar contains an entry for this variant (Variation ID: 1299797). This sequence change replaces glutamic acid, which is acidic and polar, with glycine, which is neutral and non-polar, at codon 323 of the IFT74 protein (p.Glu323Gly). This variant is present in population databases (rs202139740, gnomAD 0.01%). This variant has not been reported in the literature in individuals affected with IFT74-related conditions. Algorithms developed to predict the effect of missense changes on protein structure and function are either unavailable or do not agree on the potential impact of this missense change (SIFT: "Deleterious"; PolyPhen-2: "Possibly Damaging"; Align-GVGD: "Class C0"). In summary, the available evidence is currently insufficient to determine the role of this variant in disease. Therefore, it has been classified as a Variant of Uncertain Significance.

Clinical Genetics DNA and cytogenetics Diagnostics Lab, Erasmus MC, Erasmus Medical Center
Classification: Uncertain significance. Review status: no assertion criteria provided. Collection method: clinical testing. Allele origin: germline. Affected: yes. Study: VKGL Data-share Consensus. Not counted in ClinVar's aggregate classification.

Genome Diagnostics Laboratory, University Medical Center Utrecht
Classification: Uncertain significance. Review status: no assertion criteria provided. Collection method: clinical testing. Allele origin: germline. Affected: yes. Study: VKGL Data-share Consensus. Not counted in ClinVar's aggregate classification.